The following is an entry in ClinVar:

NM_000362.5(TIMP3):c.610A>T (p.Ser204Cys)

Genes: SYN3 (synapsin III; minus strand), TIMP3 (TIMP metallopeptidase inhibitor 3; plus strand). Cytogenetic location: 22q12.3.
Variant type: single nucleotide variant.
Coding change: c.610A>T on transcript NM_000362.5 (MANE Select); coding-DNA position 610, A replaced by T.
Protein change: p.Ser204Cys; replaces serine 204 with cysteine.
Molecular consequence: missense variant. On other transcripts: intron variant (7).
Genome position (GRCh38, 1-based): chr22:32,859,351, A>T. VCF-style: chr22-32859351-A-T. GRCh37 (hg19) VCF-style: chr22-33255338-A-T.
Other names: S181C; c.610A>T (NM_000362.4); c.708+5564T>A (NM_001369909.1, NM_001135774.2, NM_001369910.1); c.711+5564T>A (NM_001369907.1, NM_003490.4, NM_001369908.1 and 1 more transcripts); short protein forms S204C.
Identifiers: ClinVar variation 12676 (VCV000012676.12), dbSNP rs137853298, ClinGen allele CA122619.

ClinVar aggregate classification (germline): Pathogenic. Review status: criteria provided, multiple submitters, no conflicts (2 of 4 stars). 6 submissions from 6 submitters: Pathogenic (5). 1 of the submissions does not count toward it. Last evaluated 2026-06-24.

Conditions:
TIMP3-related disorder. Also called: TIMP3-related condition.
Sorsby fundus dystrophy (SFD). Also called: Sorsby fundus dystrophy, Lavia type; FUNDUS DYSTROPHY, PSEUDOINFLAMMATORY, OF SORSBY; MACULAR DYSTROPHY, HEMORRHAGIC. Identifiers: Orphanet 59181, MedGen C1850938, MONDO:0007640, OMIM 136900.
Retinal disorder. Also called: Retinal disorders; Retinopathies; Retinal Diseases; Retinopathy. Identifiers: MedGen C0035309, MONDO:0005283, HP:0000488.

Allele frequency attached by ClinVar (database versions not stated): gnomAD exomes below 0.00001.
gnomAD v4.1: 3 of 1,612,568 alleles (0.00019%); highest among the groups gnomAD compares: Non-Finnish European, 0.00025%; no homozygotes.

Submissions (6):

Genetics Laboratory, Great Ormond Street Hospital NHS Foundation Trust, North Thames Genomic Laboratory Hub
Classification: Pathogenic for Retinal disorders. Last evaluated: 2026-06-24. Review status: criteria provided, single submitter. Criteria: ACGS Best Practice Guidelines for Variant Classification in Rare Disease 2024 v1.2. Collection method: clinical testing. Allele origin: germline. Affected: yes.
Comment: PS4_moderate, PM2_moderate, PP3_supporting, PS3_moderate, PM1_moderate, PP1_strong

Labcorp Genetics (formerly Invitae), Labcorp
Classification: Pathogenic. Last evaluated: 2025-01-13. Review status: criteria provided, single submitter. Criteria: Invitae Variant Classification Sherloc (09022015). Collection method: clinical testing. Allele origin: germline.
Comment: This sequence change replaces serine, which is neutral and polar, with cysteine, which is neutral and slightly polar, at codon 204 of the TIMP3 protein (p.Ser204Cys). This variant is not present in population databases (gnomAD no frequency). This missense change has been observed in individuals with Sorsby fundus dystrophy (PMID: 8639088, 8919688, 31415707). It has also been observed to segregate with disease in related individuals. This variant is also known as p.Ser181Cys. ClinVar contains an entry for this variant (Variation ID: 12676). An algorithm developed to predict the effect of missense changes on protein structure and function (PolyPhen-2) suggests that this variant is likely to be tolerated. For these reasons, this variant has been classified as Pathogenic.

GeneDx
Classification: Pathogenic. Last evaluated: 2024-09-25. Review status: criteria provided, single submitter. Criteria: GeneDx Variant Classification Process June 2021. Collection method: clinical testing. Allele origin: germline. Affected: yes.
Comment: Published functional studies demonstrate a damaging effect resulting in dimerization/multimerization of the protein (PMID: 37013036); Not observed at significant frequency in large population cohorts (gnomAD); In silico analysis supports that this missense variant has a deleterious effect on protein structure/function; This variant is associated with the following publications: (PMID: 31415707, 37013036, 8919688, 38219857, 7894485, 36421778, 32037395)

Fulgent Genetics
Classification: Pathogenic for Sorsby fundus dystrophy. Last evaluated: 2024-03-13. Review status: criteria provided, single submitter. Criteria: ACMG Guidelines, 2015. Collection method: clinical testing. Allele origin: germline.

Blueprint Genetics
Classification: Pathogenic for TIMP3-related disorders. Last evaluated: 2021-09-22. Review status: criteria provided, single submitter. Criteria: ACMG Guidelines, 2015. Collection method: clinical testing. Allele origin: germline. Affected: yes. Observed: 5 variant alleles.

OMIM
Classification: Pathogenic for SORSBY FUNDUS DYSTROPHY. Last evaluated: 1996-06-01. Review status: no assertion criteria provided. Collection method: literature only. Allele origin: germline. Not counted in ClinVar's aggregate classification.

Literature cited by the submitters: PubMed 8639088 (cited by Labcorp Genetics (formerly Invitae), Labcorp and OMIM); PubMed 8919688 (cited by Labcorp Genetics (formerly Invitae), Labcorp and OMIM); PubMed 31415707 (cited by Labcorp Genetics (formerly Invitae), Labcorp); PubMed 7894485 (cited by OMIM).